The following is an entry in ClinVar:

ClinVar aggregate classification (germline): Uncertain significance (1 of 4 stars; one submission).

Allele frequency attached by ClinVar (database versions not stated): gnomAD 0.00001; TOPMed 0.00001; ExAC 0.00002; ESP Exome Variant Server 0.00015.
gnomAD v4.1: 15 of 1,611,912 alleles (0.00093%); highest among the groups gnomAD compares: African/African-American, 0.0013%; no homozygotes.

Submission:

Ambry Genetics
Classification: Uncertain significance. Last evaluated: 2024-11-14. Review status: criteria provided, single submitter. Criteria: Ambry Variant Classification Scheme 2023. Collection method: clinical testing. Allele origin: germline.
Comment: The p.R456H variant (also known as c.1367G>A), located in coding exon 9 of the POLQ gene, results from a G to A substitution at nucleotide position 1367. The arginine at codon 456 is replaced by histidine, an amino acid with highly similar properties. This amino acid position is conserved. In addition, the in silico prediction for this alteration is inconclusive. Since supporting evidence is limited at this time, the clinical significance of this alteration remains unclear.

NM_199420.4(POLQ):c.1367G>A (p.Arg456His)

Gene: POLQ (DNA polymerase theta; minus strand). Cytogenetic location: 3q13.33.
Variant type: single nucleotide variant.
Coding change: c.1367G>A on transcript NM_199420.4 (MANE Select); coding-DNA position 1367, G replaced by A.
Protein change: p.Arg456His; replaces arginine 456 with histidine.
Molecular consequence: missense variant.
Genome position (GRCh38, 1-based): chr3:121,519,972, C>T on the plus strand (G>A on the coding strand, the complement: POLQ is on the minus strand). VCF-style: chr3-121519972-C-T. GRCh37 (hg19) VCF-style: chr3-121238819-C-T.
Other names: short protein forms R456H.
Identifiers: ClinVar variation 1770953 (VCV001770953.3), dbSNP rs375295723, ClinGen allele CA2563558.